The following is an entry in ClinVar:

NM_000533.5(PLP1):c.539C>A (p.Thr180Asn)

Genes: RAB9B (RAB9B, member RAS oncogene family; minus strand), PLP1 (proteolipid protein 1; plus strand). Cytogenetic location: Xq22.2.
Variant type: single nucleotide variant.
Coding change: c.539C>A on transcript NM_000533.5 (MANE Select); coding-DNA position 539, C replaced by A.
Protein change: p.Thr180Asn; replaces threonine 180 with asparagine.
Molecular consequence: missense variant.
Genome position (GRCh38, 1-based): chrX:103,787,883, C>A. VCF-style: chrX-103787883-C-A. GRCh37 (hg19) VCF-style: chrX-103042812-C-A.
Other names: c.539C>A, p.Thr180Asn (NM_001128834.3); c.374C>A, p.Thr125Asn (NM_001305004.1); c.434C>A, p.Thr145Asn (NM_199478.3); short protein forms T125N, T145N, T180N.
Identifiers: ClinVar variation 4854527 (VCV004854527.1).

ClinVar aggregate classification (germline): Uncertain significance (1 of 4 stars; one submission).

Conditions:
Pelizaeus-Merzbacher disease. Also called: LEUKODYSTROPHY, HYPOMYELINATING, 1; Sudanophilic leukodystrophy; Pelizeaus-Merzbacher spectrum disorder; Pelizaeus-Merzbacher spectrum disorder; Pelizaeus-Merzbacher Disease (PMD). Identifiers: Orphanet 702, MedGen C0205711, MONDO:0010714, OMIM 312080, HP:0003269.

Submission:

3billion
Classification: Uncertain significance for Pelizaeus-Merzbacher disease. Last evaluated: 2025-12-26. Review status: criteria provided, single submitter. Criteria: ACMG Guidelines, 2015. Collection method: clinical testing. Allele origin: germline. Affected: yes.
Comment: The variant is not observed in the gnomAD v4.1.0 dataset. Predicted Consequence/Location: Missense variant In silico tool predictions suggest damaging effect of the variant on gene or gene product [REVEL: 0.67 (>=0.6, sensitivity 0.68 and specificity 0.92); 3Cnet: 0.85 (> 0.75, sensitivity 0.96 and precision 0.92)]. A different missense change at the same codon (p.Thr180Pro) has been reported to be associated with PLP1-related disorder (PMID: 26597493). However the evidence of pathogenicity is insufficient at this time. Therefore, this variant is classified as VUS according to the recommendation of ACMG/AMP guideline.

Literature cited by the submitters: PubMed 26597493.